The following is an entry in ClinVar:

NM_001130009.3(GEN1):c.857A>T (p.Tyr286Phe)

Gene: GEN1 (GEN1 structure-specific endonuclease; plus strand). Cytogenetic location: 2p24.2.
Variant type: single nucleotide variant.
Coding change: c.857A>T on transcript NM_001130009.3 (MANE Select); coding-DNA position 857, A replaced by T.
Protein change: p.Tyr286Phe; replaces tyrosine 286 with phenylalanine.
Molecular consequence: missense variant.
Genome position (GRCh38, 1-based): chr2:17,772,688, A>T. VCF-style: chr2-17772688-A-T. GRCh37 (hg19) VCF-style: chr2-17953955-A-T.
Other names: c.857A>T (NM_001130009.1); c.857A>T, p.Tyr286Phe (NM_182625.5); short protein forms Y286F.
Identifiers: ClinVar variation 961510 (VCV000961510.10), dbSNP rs1417665930, ClinGen allele CA345916907.
Genomic context (GRCh38, chr2:17,772,688, plus strand): 5'-ATAAAGGTTCACCTAAGGATCATGAACGTAATGGATGCAGATTATGTAAAAGTGATAAAT[A>T]TTGTGAGCCACATGACTATGAATACTGCTGTCCTTGTGAGTGGCACCGTACAGAACATGA-3'
Protein context (NP_001123481.3, residues 276-296): NGCRLCKSDK[Tyr286Phe]CEPHDYEYCC

ClinVar aggregate classification (germline): Uncertain significance. Review status: criteria provided, multiple submitters, no conflicts (2 of 4 stars). 2 submissions from 2 submitters: Uncertain significance (2). Last evaluated 2025-03-06.

Allele frequency attached by ClinVar (database versions not stated): gnomAD 0.00001; TOPMed 0.00002.
gnomAD v4.1: 8 of 1,612,442 alleles (0.0005%); highest among the groups gnomAD compares: African/African-American, 0.0067%; no homozygotes.

Submissions (2):

Ambry Genetics
Classification: Uncertain significance. Last evaluated: 2025-03-06. Review status: criteria provided, single submitter. Criteria: Ambry Variant Classification Scheme 2023. Collection method: clinical testing. Allele origin: germline.
Comment: The p.Y286F variant (also known as c.857A>T), located in coding exon 7 of the GEN1 gene, results from an A to T substitution at nucleotide position 857. The tyrosine at codon 286 is replaced by phenylalanine, an amino acid with highly similar properties. This amino acid position is conserved. In addition, this alteration is predicted to be tolerated by in silico analysis. Based on the available evidence, the clinical significance of this variant remains unclear.

Labcorp Genetics (formerly Invitae), Labcorp
Classification: Uncertain significance. Last evaluated: 2019-09-16. Review status: criteria provided, single submitter. Criteria: Invitae Variant Classification Sherloc (09022015). Collection method: clinical testing. Allele origin: germline.
Comment: In summary, the available evidence is currently insufficient to determine the role of this variant in disease. Therefore, it has been classified as a Variant of Uncertain Significance. Algorithms developed to predict the effect of missense changes on protein structure and function output the following: SIFT: "Tolerated"; PolyPhen-2: "Benign"; Align-GVGD: "Class C0". The phenylalanine amino acid residue is found in multiple mammalian species, suggesting that this missense change does not adversely affect protein function. These predictions have not been confirmed by published functional studies and their clinical significance is uncertain. This variant has not been reported in the literature in individuals with GEN1-related conditions. This variant is not present in population databases (ExAC no frequency). This sequence change replaces tyrosine with phenylalanine at codon 286 of the GEN1 protein (p.Tyr286Phe). The tyrosine residue is moderately conserved and there is a small physicochemical difference between tyrosine and phenylalanine.